The following is an entry in ClinVar:

NM_000821.7(GGCX):c.1450C>T (p.Pro484Ser)

Gene: GGCX (gamma-glutamyl carboxylase; minus strand). Cytogenetic location: 2p11.2.
Variant type: single nucleotide variant.
Coding change: c.1450C>T on transcript NM_000821.7 (MANE Select); coding-DNA position 1450, C replaced by T.
Protein change: p.Pro484Ser; replaces proline 484 with serine.
Molecular consequence: missense variant.
Genome position (GRCh38, 1-based): chr2:85,551,971, G>A on the plus strand (C>T on the coding strand, the complement: GGCX is on the minus strand). VCF-style: chr2-85551971-G-A. GRCh37 (hg19) VCF-style: chr2-85779094-G-A.
Other names: c.1279C>T, p.Pro427Ser (NM_001142269.4); short protein forms P427S, P484S.
Identifiers: ClinVar variation 4073621 (VCV004073621.1).

ClinVar aggregate classification (germline): Likely pathogenic (1 of 4 stars; one submission).

Conditions:
Vitamin K-dependent clotting factors, combined deficiency of, type 1. Also called: FACTORS II, VII, IX, AND X, COMBINED DEFICIENCY OF; FAMILIAL MULTIPLE COAGULATION FACTOR DEFICIENCY III; FMFD III; GLUTAMIC ACID, DEFICIENT GAMMA-CARBOXYLATION OF; MULTIPLE COAGULATION FACTOR DEFICIENCY III; VITAMIN K-DEPENDENT COAGULATION DEFECT. Identifiers: Orphanet 98434, MedGen C1848534, MONDO:0010187, OMIM 277450.

gnomAD v4.1: 9 of 1,613,614 alleles (0.00056%); highest among the groups gnomAD compares: South Asian, 0.0088%; no homozygotes.

Submission:

Fetal Medicine Division, Jawaharlal Institute of Postgraduate Medical Education and Research
Classification: Likely pathogenic for Vitamin K-dependent clotting factors, combined deficiency of, type 1. Last evaluated: 2025-07-31. Review status: criteria provided, single submitter. Criteria: ACMG Guidelines, 2015. Collection method: clinical testing. Allele origin: germline. Inheritance: Autosomal recessive inheritance. Affected: yes. Observed: 1 homozygote.
Comment: The c.1450C>T (p.Pro484Ser) variant in the GGCX gene is classified as likely pathogenic based on multiple lines of evidence. This missense variant alters a highly conserved proline residue within the gamma-glutamyl carboxylase protein, which is critical for vitamin K-dependent carboxylation of coagulation factors. Functional studies (PS3_Strong) have demonstrated a damaging effect on enzyme activity consistent with the observed bleeding phenotype. The variant is extremely rare, with an allele frequency of less than 1 in 100,000 (<10⁻⁵) in large population datasets, supporting the PM2 criterion for pathogenicity. Together, these data fulfill the criteria for a likely pathogenic classification under ACMG guidelines.

Literature cited by the submitters: PubMed 41030118.